The following is an entry in ClinVar:

ClinVar aggregate classification (germline): Uncertain significance (1 of 4 stars; one submission).

gnomAD v4.1: 1 of 1,610,010 alleles (0.000062%); highest among the groups gnomAD compares: Non-Finnish European, 0.000085%; no homozygotes.

Submission:

Labcorp Genetics (formerly Invitae), Labcorp
Classification: Uncertain significance. Last evaluated: 2024-12-25. Review status: criteria provided, single submitter. Criteria: Invitae Variant Classification Sherloc (09022015). Collection method: clinical testing. Allele origin: germline.
Comment: This sequence change replaces aspartic acid, which is acidic and polar, with glutamic acid, which is acidic and polar, at codon 286 of the CTNNA1 protein (p.Asp286Glu). This variant is not present in population databases (gnomAD no frequency). This variant has not been reported in the literature in individuals affected with CTNNA1-related conditions. ClinVar contains an entry for this variant (Variation ID: 2153559). An algorithm developed to predict the effect of missense changes on protein structure and function (PolyPhen-2) suggests that this variant is likely to be tolerated. In summary, the available evidence is currently insufficient to determine the role of this variant in disease. Therefore, it has been classified as a Variant of Uncertain Significance.

NM_001903.5(CTNNA1):c.858C>A (p.Asp286Glu)

Gene: CTNNA1 (catenin alpha 1; plus strand). Cytogenetic location: 5q31.2.
Variant type: single nucleotide variant.
Coding change: c.858C>A on transcript NM_001903.5 (MANE Select); coding-DNA position 858, C replaced by A.
Protein change: p.Asp286Glu; replaces aspartic acid 286 with glutamic acid.
Molecular consequence: missense variant.
Genome position (GRCh38, 1-based): chr5:138,824,799, C>A. VCF-style: chr5-138824799-C-A. GRCh37 (hg19) VCF-style: chr5-138160488-C-A.
Other names: c.858C>A, p.Asp286Glu (NM_001290307.3, NM_001323982.2, NM_001323983.1 and 3 more transcripts); c.549C>A, p.Asp183Glu (NM_001290309.3); c.489C>A, p.Asp163Glu (NM_001290310.3); short protein forms D183E, D286E, D163E.
Identifiers: ClinVar variation 2153559 (VCV002153559.4), dbSNP rs779989605, ClinGen allele CA361130352.
Genomic context (GRCh38, chr5:138,824,799, plus strand): 5'-TGCCTCACAGCACCAGGGTGGAGGAGGAGGAGAACTGGCATATGCACTCAATAACTTTGA[C>A]GTAAGTTATGCTTGGGTGGAAATTTCCAGCTCTTGACCATCCCCCAAAAGATAACAGATT-3'
Protein context (NP_001894.2, residues 276-296): GELAYALNNF[Asp286Glu]KQIIVDPLSF